The following is an entry in ClinVar:

NM_030962.4(SBF2):c.3475G>A (p.Val1159Ile)

Gene: SBF2 (SET binding factor 2; minus strand). Cytogenetic location: 11p15.4.
Variant type: single nucleotide variant.
Coding change: c.3475G>A on transcript NM_030962.4 (MANE Select); coding-DNA position 3475, G replaced by A.
Protein change: p.Val1159Ile; replaces valine 1159 with isoleucine.
Molecular consequence: missense variant.
Genome position (GRCh38, 1-based): chr11:9,832,401, C>T on the plus strand (G>A on the coding strand, the complement: SBF2 is on the minus strand). VCF-style: chr11-9832401-C-T. GRCh37 (hg19) VCF-style: chr11-9853948-C-T.
Other names: c.3475G>A, p.Val1159Ile (NM_001386339.1); c.3346G>A, p.Val1116Ile (NM_001386342.1); short protein forms V1116I, V1159I.
Identifiers: ClinVar variation 1731774 (VCV001731774.10), dbSNP rs201555861, ClinGen allele CA5881254.

ClinVar aggregate classification (germline): Conflicting classifications of pathogenicity. Review status: criteria provided, conflicting classifications (1 of 4 stars). 3 submissions from 3 submitters: Uncertain significance (2); Likely benign (1). Last evaluated 2025-05-03.

Conditions:
Inborn genetic diseases. Identifiers: MedGen C0950123, MeSH D030342.
Charcot-Marie-Tooth disease type 4. Also called: Charcot-Marie-Tooth disease, type IV; Charcot-Marie-Tooth, Type 4. Identifiers: Orphanet 64749, MedGen C4082197, MONDO:0018995.

Allele frequency attached by ClinVar (database versions not stated): ExAC 0.00005; gnomAD 0.00005; TOPMed 0.00007; 1000 Genomes Project 30x 0.00016; 1000 Genomes Project 0.00020.
gnomAD v4.1: 72 of 1,612,872 alleles (0.0045%); highest among the groups gnomAD compares: African/African-American, 0.015%; no homozygotes.

Submissions (3):

Ambry Genetics
Classification: Uncertain significance for Inborn genetic diseases. Last evaluated: 2025-05-03. Review status: criteria provided, single submitter. Criteria: Ambry Variant Classification Scheme 2023. Collection method: clinical testing. Allele origin: germline.

Labcorp Genetics (formerly Invitae), Labcorp
Classification: Uncertain significance for Charcot-Marie-Tooth disease type 4. Last evaluated: 2024-12-03. Review status: criteria provided, single submitter. Criteria: Invitae Variant Classification Sherloc (09022015). Collection method: clinical testing. Allele origin: germline.
Comment: This sequence change replaces valine, which is neutral and non-polar, with isoleucine, which is neutral and non-polar, at codon 1159 of the SBF2 protein (p.Val1159Ile). This variant is present in population databases (rs201555861, gnomAD 0.03%). This variant has not been reported in the literature in individuals affected with SBF2-related conditions. ClinVar contains an entry for this variant (Variation ID: 1731774). Invitae Evidence Modeling of protein sequence and biophysical properties (such as structural, functional, and spatial information, amino acid conservation, physicochemical variation, residue mobility, and thermodynamic stability) indicates that this missense variant is not expected to disrupt SBF2 protein function with a negative predictive value of 80%. In summary, the available evidence is currently insufficient to determine the role of this variant in disease. Therefore, it has been classified as a Variant of Uncertain Significance.

Blueprint Genetics
Classification: Likely benign. Last evaluated: 2023-08-24. Review status: criteria provided, single submitter. Criteria: ACMG Guidelines, 2015. Collection method: clinical testing. Allele origin: germline.